The following is an entry in ClinVar:

ClinVar aggregate classification (germline): Uncertain significance (1 of 4 stars; one submission).

Submission:

GeneDx
Classification: Uncertain significance. Last evaluated: 2025-08-07. Review status: criteria provided, single submitter. Criteria: GeneDx Variant Classification Process June 2021. Collection method: clinical testing. Allele origin: germline. Affected: yes.
Comment: Not observed at significant frequency in large population cohorts (gnomAD); In-frame deletion of 1 amino acid(s) in a non-repeat region; In silico analysis supports a deleterious effect on protein structure/function; Has not been previously published as pathogenic or benign to our knowledge

NM_014712.3(SETD1A):c.2923_2925del (p.Glu975del)

Gene: SETD1A (SET domain containing 1A, histone lysine methyltransferase; plus strand). Cytogenetic location: 16p11.2.
Variant type: Deletion.
Coding change: c.2923_2925del on transcript NM_014712.3 (MANE Select); coding-DNA positions 2923 to 2925, 3 bases deleted (GAG; older notation c.2923_2925delGAG).
Protein change: p.Glu975del; deletes glutamic acid 975.
Genome position (GRCh38, 1-based): chr16:30,969,457-30,969,459, GAG deleted; deleting any 3 consecutive bases within chr16:30,969,456-30,969,459 gives the same sequence; the c. name uses the placement nearest the transcript's 3' end. VCF-style (leftmost placement, unchanged base first): chr16-30969455-CGGA-C. GRCh37 (hg19) VCF-style: chr16-30980776-CGGA-C.
Other names: short protein forms E975del.
Identifiers: ClinVar variation 4755926 (VCV004755926.1).